The following is an entry in ClinVar:

ClinVar aggregate classification (germline): Likely benign (1 of 4 stars; one submission).

Allele frequency attached by ClinVar (database versions not stated): gnomAD 0.00007; TOPMed 0.00008; ESP Exome Variant Server 0.00009; ExAC 0.00010; gnomAD exomes 0.00010; 1000 Genomes Project 30x 0.00021; 1000 Genomes Project 0.00026.
gnomAD v4.1: 120 of 1,210,188 alleles (0.0099%); highest among the groups gnomAD compares: Middle Eastern, 0.25%; no homozygotes.

Submission:

CeGaT Center for Human Genetics Tuebingen
Classification: Likely benign. Last evaluated: 2022-05-01. Review status: criteria provided, single submitter. Criteria: CeGaT Center For Human Genetics Tuebingen Variant Classification Criteria Version 2. Collection method: clinical testing. Allele origin: germline. Affected: yes. Observed: 1 variant allele.
Comment: KLHL15: BP4, BP7

NM_030624.3(KLHL15):c.1176T>C (p.Thr392=)

Gene: KLHL15 (kelch like family member 15; minus strand). Cytogenetic location: Xp22.11.
Variant type: single nucleotide variant.
Coding change: c.1176T>C on transcript NM_030624.3 (MANE Select); coding-DNA position 1176, T replaced by C.
Protein change: p.Thr392=; no amino-acid change (threonine 392 retained).
Molecular consequence: synonymous variant.
Genome position (GRCh38, 1-based): chrX:23,988,560, A>G on the plus strand (T>C on the coding strand, the complement: KLHL15 is on the minus strand). VCF-style: chrX-23988560-A-G. GRCh37 (hg19) VCF-style: chrX-24006677-A-G.
Identifiers: ClinVar variation 2660176 (VCV002660176.24), dbSNP rs185873286, ClinGen allele CA10370508.
Genomic context (GRCh38, chrX:23,988,560, plus strand): 5'-ATAAGGATCCACAAATTCCCATTTATCGTTGGTGATGTCATATCTCTCAGTTGAATAGAA[A>G]GTCTCATCTCTGGTTCTGCCTGCTACGGCGTAAATAAACTTCCCAATAACACCTACAGCA-3'
Protein context (NP_085127.2, residues 382-402): YAVAGRTRDE[Thr392=]FYSTERYDIT